The following is an entry in ClinVar:

NM_001972.4(ELANE):c.152G>A (p.Gly51Glu)

Gene: ELANE (elastase, neutrophil expressed; plus strand). Cytogenetic location: 19p13.3.
Variant type: single nucleotide variant.
Coding change: c.152G>A on transcript NM_001972.4 (MANE Select); coding-DNA position 152, G replaced by A.
Protein change: p.Gly51Glu; replaces glycine 51 with glutamic acid.
Molecular consequence: missense variant.
Genome position (GRCh38, 1-based): chr19:852,960, G>A. VCF-style: chr19-852960-G-A. GRCh37 (hg19) VCF-style: chr19-852960-G-A.
Other names: short protein forms G51E.
Identifiers: ClinVar variation 3844277 (VCV003844277.1).

ClinVar aggregate classification (germline): Uncertain significance (1 of 4 stars; one submission).

Conditions:
Inborn genetic diseases. Identifiers: MedGen C0950123, MeSH D030342.

Submission:

Ambry Genetics
Classification: Uncertain significance for Inborn genetic diseases. Last evaluated: 2024-12-22. Review status: criteria provided, single submitter. Criteria: Ambry Variant Classification Scheme 2023. Collection method: clinical testing. Allele origin: germline.
Comment: The p.G51E variant (also known as c.152G>A), located in coding exon 2 of the ELANE gene, results from a G to A substitution at nucleotide position 152. The glycine at codon 51 is replaced by glutamic acid, an amino acid with similar properties. This amino acid position is conserved. In addition, this alteration is predicted to be deleterious by in silico analysis. Based on the available evidence, the clinical significance of this variant remains unclear.